The following is an entry in ClinVar:

NC_000009.11:g.(?_108335926)_(108403409_?)del

Gene: FKTN (fukutin; plus strand). Cytogenetic location: 9q31.2.
Variant type: Deletion.
Identifiers: ClinVar variation 2423628 (VCV002423628.4).

ClinVar aggregate classification (germline): Pathogenic (1 of 4 stars; one submission).

Conditions:
Walker-Warburg congenital muscular dystrophy. Also called: Muscular dystrophy-dystroglycanopathy, type A; Walker-Warburg syndrome. Identifiers: Orphanet 899, MedGen C0265221, MONDO:0000171.

Submission:

Labcorp Genetics (formerly Invitae), Labcorp
Classification: Pathogenic for Walker-Warburg congenital muscular dystrophy. Last evaluated: 2021-10-20. Review status: criteria provided, single submitter. Criteria: Invitae Variant Classification Sherloc (09022015). Collection method: clinical testing. Allele origin: germline.
Comment: This variant is a gross deletion of the genomic region encompassing exon(s) 2-11 of the FKTN gene, which includes the initiator codon. This deletion extends beyond the assayed region for this gene and therefore may encompass additional genes. It is expected to result in an absent or disrupted protein product. Loss-of-function variants in FKTN are known to be pathogenic (PMID: 17044012, 17878207, 18752264). For these reasons, this variant has been classified as Pathogenic. This variant has not been reported in the literature in individuals affected with FKTN-related conditions.

Literature cited by the submitters: PubMed 17044012; PubMed 17878207; PubMed 18752264.